The following is an entry in ClinVar:

NM_014712.3(SETD1A):c.811A>C (p.Thr271Pro)

Gene: SETD1A (SET domain containing 1A, histone lysine methyltransferase; plus strand). Cytogenetic location: 16p11.2.
Variant type: single nucleotide variant.
Coding change: c.811A>C on transcript NM_014712.3 (MANE Select); coding-DNA position 811, A replaced by C.
Protein change: p.Thr271Pro; replaces threonine 271 with proline.
Molecular consequence: missense variant.
Genome position (GRCh38, 1-based): chr16:30,964,265, A>C. VCF-style: chr16-30964265-A-C. GRCh37 (hg19) VCF-style: chr16-30975586-A-C.
Other names: short protein forms T271P.
Identifiers: ClinVar variation 2317933 (VCV002317933.3), dbSNP rs142327941, ClinGen allele CA8016496.

ClinVar aggregate classification (germline): Uncertain significance. Review status: criteria provided, multiple submitters, no conflicts (2 of 4 stars). 2 submissions from 2 submitters: Uncertain significance (2). Last evaluated 2024-09-19.

Conditions:
Inborn genetic diseases. Identifiers: MedGen C0950123, MeSH D030342.

gnomAD v4.1: 5 of 1,612,454 alleles (0.00031%); highest among the groups gnomAD compares: East Asian, 0.011%; no homozygotes.

Submissions (2):

GeneDx
Classification: Uncertain significance. Last evaluated: 2024-09-19. Review status: criteria provided, single submitter. Criteria: GeneDx Variant Classification Process June 2021. Collection method: clinical testing. Allele origin: germline. Affected: yes.
Comment: In silico analysis supports that this missense variant has a deleterious effect on protein structure/function; Has not been previously published as pathogenic or benign to our knowledge

Ambry Genetics
Classification: Uncertain significance for Inborn genetic diseases. Last evaluated: 2022-10-12. Review status: criteria provided, single submitter. Criteria: Ambry Variant Classification Scheme 2023. Collection method: clinical testing. Allele origin: germline.